The following is an entry in ClinVar:

ClinVar aggregate classification (germline): Uncertain significance. Review status: criteria provided, multiple submitters, no conflicts (2 of 4 stars). 2 submissions from 2 submitters: Uncertain significance (2). Last evaluated 2024-12-19.

Conditions:
Hereditary cancer-predisposing syndrome. Also called: Neoplastic Syndromes, Hereditary; Tumor predisposition; Hereditary neoplastic syndrome; Hereditary Cancer Syndrome. Identifiers: Orphanet 140162, MedGen C0027672, MeSH D009386, MONDO:0015356.
Rhabdoid tumor predisposition syndrome 2 (RTPS2). Identifiers: Orphanet 231108, Orphanet 69077, MedGen C2750074, MONDO:0013224, OMIM 613325.

Submissions (2):

Ambry Genetics
Classification: Uncertain significance for Hereditary cancer-predisposing syndrome. Last evaluated: 2024-12-19. Review status: criteria provided, single submitter. Criteria: Ambry Variant Classification Scheme 2023. Collection method: clinical testing. Allele origin: germline.
Comment: The c.4324_4326delTCA variant (also known as p.S1442del) is located in coding exon 30 of the SMARCA4 gene. This variant results from an in-frame TCA deletion at nucleotide positions 4324 to 4326. This results in the in-frame deletion of a serine at codon 1442. This amino acid position is not well conserved in available vertebrate species. In addition, the in silico prediction for this alteration is inconclusive (Choi Y et al. PLoS ONE. 2012; 7(10):e46688). Based on the available evidence, the clinical significance of this variant remains unclear.

Labcorp Genetics (formerly Invitae), Labcorp
Classification: Uncertain significance for Rhabdoid tumor predisposition syndrome 2. Last evaluated: 2024-04-30. Review status: criteria provided, single submitter. Criteria: Invitae Variant Classification Sherloc (09022015). Collection method: clinical testing. Allele origin: germline.
Comment: This variant, c.4324_4326del, results in the deletion of 1 amino acid(s) of the SMARCA4 protein (p.Ser1442del), but otherwise preserves the integrity of the reading frame. This variant is not present in population databases (gnomAD no frequency). This variant has not been reported in the literature in individuals affected with SMARCA4-related conditions. ClinVar contains an entry for this variant (Variation ID: 824796). Experimental studies and prediction algorithms are not available or were not evaluated, and the functional significance of this variant is currently unknown. In summary, the available evidence is currently insufficient to determine the role of this variant in disease. Therefore, it has been classified as a Variant of Uncertain Significance.

NM_003072.5(SMARCA4):c.4225TCA[1] (p.Ser1410del)

Gene: SMARCA4 (SWI/SNF related BAF chromatin remodeling complex subunit ATPase 4; plus strand). Cytogenetic location: 19p13.2.
Variant type: Microsatellite.
Coding change: c.4225TCA[1] on transcript NM_003072.5 (MANE Select); one copy of the 3-base unit TCA starting at c.4225; the reference has two copies in a row; one copy, 3 bases deleted.
Protein change: p.Ser1410del; deletes serine 1410.
Molecular consequence: inframe deletion. On other transcripts: non-coding transcript variant (1).
Genome position (GRCh38, 1-based): chr19:11,041,364-11,041,366, TCA deleted; deleting any 3 consecutive bases within chr19:11,041,360-11,041,366 gives the same sequence; the position shown is the placement nearest the transcript's 3' end. VCF-style (leftmost placement, unchanged base first): chr19-11041359-AATC-A. GRCh37 (hg19) VCF-style: chr19-11152035-AATC-A.
Other names: c.4324_4326del (NM_001128849.1); c.4225TCA[1], p.Ser1410del (NM_001128844.3); c.4135TCA[1], p.Ser1380del (NM_001128845.2, NM_001128846.2); c.4126TCA[1], p.Ser1377del (NM_001128847.4, NM_001128848.2, NM_001374457.1); c.4321TCA[1], p.Ser1442del (NM_001128849.3, NM_001387283.1); short protein forms S1377del, S1380del, S1442del, S1410del.
Identifiers: ClinVar variation 824796 (VCV000824796.15), dbSNP rs1600466492, ClinGen allele CA915951648.